The following is an entry in ClinVar:

NM_006088.6(TUBB4B):c.1322AGG[2] (p.Glu443del)

Gene: TUBB4B (tubulin beta 4B class IVb; plus strand). Cytogenetic location: 9q34.3.
Variant type: Microsatellite.
Coding change: c.1322AGG[2] on transcript NM_006088.6 (MANE Select); two copies in a row of the 3-base unit AGG starting at c.1322; the reference has three copies in a row; one copy, 3 bases deleted.
Protein change: p.Glu443del; deletes glutamic acid 443.
Molecular consequence: inframe deletion.
Genome position (GRCh38, 1-based): chr9:137,243,546-137,243,548, AGG deleted; deleting any 3 consecutive bases within chr9:137,243,539-137,243,548 gives the same sequence; the position shown is the placement nearest the transcript's 3' end. VCF-style (leftmost placement, unchanged base first): chr9-137243538-TGAG-T. GRCh37 (hg19) VCF-style: chr9-140137990-TGAG-T.
Other names: short protein forms E443del.
Identifiers: ClinVar variation 4984881 (VCV004984881.1).

ClinVar aggregate classification (germline): Likely benign (1 of 4 stars; one submission).

Conditions:
TUBB4B-related disorder. Also called: TUBB4B-related condition.

Submission:

PreventionGenetics, part of Exact Sciences
Classification: Likely benign for TUBB4B-related condition. Last evaluated: 2026-01-04. Review status: criteria provided, single submitter. Criteria: ACMG Guidelines, 2015. Collection method: clinical testing. Allele origin: germline.
Comment: This variant is classified as likely benign based on ACMG/AMP sequence variant interpretation guidelines (Richards et al. 2015 PMID: 25741868, with internal and published modifications).